The following is an entry in ClinVar:

ClinVar aggregate classification (germline): Uncertain significance. Review status: criteria provided, multiple submitters, no conflicts (2 of 4 stars). 3 submissions from 3 submitters: Uncertain significance (2). 1 of the submissions does not count toward it. Last evaluated 2025-08-02.

Conditions:
Progressive myoclonic epilepsy type 3. Also called: KCTD7-Related Progressive Myoclonic Epilepsy; EPILEPSY, PROGRESSIVE MYOCLONIC, 3, WITH OR WITHOUT INTRACELLULAR INCLUSIONS; CEROID LIPOFUSCINOSIS, NEURONAL, 14; EPILEPSY, PROGRESSIVE MYOCLONIC, 3, WITHOUT INTRACELLULAR INCLUSIONS. Identifiers: Orphanet 263516, MedGen C2673257, MONDO:0012721, OMIM 611726.

Allele frequency attached by ClinVar (database versions not stated): ExAC 0.00002; gnomAD 0.00003 and 0.00004; gnomAD exomes 0.00003 and 0.00009; TOPMed 0.00003.

Submissions (3):

GeneDx
Classification: Uncertain significance. Last evaluated: 2025-08-02. Review status: criteria provided, single submitter. Criteria: GeneDx Variant Classification Process June 2021. Collection method: clinical testing. Allele origin: germline. Affected: yes.
Comment: Not observed at significant frequency in large population cohorts (gnomAD); In silico analysis suggests that this missense variant does not alter protein structure/function; Has not been previously published as pathogenic or benign to our knowledge

Labcorp Genetics (formerly Invitae), Labcorp
Classification: Uncertain significance for Progressive myoclonic epilepsy type 3. Last evaluated: 2022-08-07. Review status: criteria provided, single submitter. Criteria: Invitae Variant Classification Sherloc (09022015). Collection method: clinical testing. Allele origin: germline.
Comment: This sequence change replaces arginine, which is basic and polar, with glutamine, which is neutral and polar, at codon 169 of the KCTD7 protein (p.Arg169Gln). This variant is present in population databases (rs745917176, gnomAD 0.006%). This variant has not been reported in the literature in individuals affected with KCTD7-related conditions. ClinVar contains an entry for this variant (Variation ID: 423509). Algorithms developed to predict the effect of missense changes on protein structure and function (SIFT, PolyPhen-2, Align-GVGD) all suggest that this variant is likely to be tolerated. In summary, the available evidence is currently insufficient to determine the role of this variant in disease. Therefore, it has been classified as a Variant of Uncertain Significance.

Clinical Molecular Genetics Laboratory, Johns Hopkins All Children's Hospital
Classification: Uncertain significance. Last evaluated: 2017-08-11. Review status: no assertion criteria provided. Collection method: clinical testing. Allele origin: germline. Affected: yes. Not counted in ClinVar's aggregate classification.

NM_153033.5(KCTD7):c.506G>A (p.Arg169Gln)

Gene: KCTD7 (potassium channel tetramerization domain containing 7; plus strand). Cytogenetic location: 7q11.21.
Variant type: single nucleotide variant.
Coding change: c.506G>A on transcript NM_153033.5 (MANE Select); coding-DNA position 506, G replaced by A.
Protein change: p.Arg169Gln; replaces arginine 169 with glutamine.
Molecular consequence: missense variant.
Genome position (GRCh38, 1-based): chr7:66,638,868, G>A. VCF-style: chr7-66638868-G-A. GRCh37 (hg19) VCF-style: chr7-66103855-G-A.
Other names: c.506G>A, p.Arg169Gln (NM_001167961.2); short protein forms R169Q.
Identifiers: ClinVar variation 423509 (VCV000423509.9), dbSNP rs745917176, ClinGen allele CA4278281.